The following is an entry in ClinVar:

NC_000017.10:g.(?_29422048)_(29422407_?)del

Gene: NF1 (neurofibromin 1; plus strand). Cytogenetic location: 17q11.2.
Variant type: Deletion.
Identifiers: ClinVar variation 3242844 (VCV003242844.1).

ClinVar aggregate classification (germline): Pathogenic (1 of 4 stars; one submission).

Conditions:
Neurofibromatosis, type 1 (NF1). Also called: VON RECKLINGHAUSEN DISEASE; Neurofibromatosis, type I; Peripheral type neurofibromatosis; NEUROFIBROMATOSIS, TYPE I, SOMATIC. Identifiers: Orphanet 636, MedGen C0027831, MONDO:0018975, OMIM 162200. Disease mechanism: loss of function.

Submission:

Labcorp Genetics (formerly Invitae), Labcorp
Classification: Pathogenic for Neurofibromatosis, type 1. Last evaluated: 2024-01-16. Review status: criteria provided, single submitter. Criteria: Invitae Variant Classification Sherloc (09022015). Collection method: clinical testing. Allele origin: unknown.
Comment: This variant is a gross deletion of the genomic region encompassing exon(s) 1 of the NF1 gene, which includes the initiator codon. This deletion extends beyond the assayed region for this gene and therefore may encompass additional genes. It is expected to result in an absent or disrupted protein product. Loss-of-function variants in NF1 are known to be pathogenic (PMID: 10712197, 23913538). A similar copy number variant has been observed in individual(s) with neurofibromatosis type 1 (NF1) (PMID: 16283621). For these reasons, this variant has been classified as Pathogenic.

Literature cited by the submitters: PubMed 10712197; PubMed 23913538; PubMed 16283621.